The following is an entry in ClinVar:

NM_181489.6(ZNF445):c.1269G>T (p.Met423Ile)

Gene: ZNF445 (zinc finger protein 445; minus strand). Cytogenetic location: 3p21.31.
Variant type: single nucleotide variant.
Coding change: c.1269G>T on transcript NM_181489.6 (MANE Select); coding-DNA position 1269, G replaced by T.
Protein change: p.Met423Ile; replaces methionine 423 with isoleucine.
Molecular consequence: missense variant.
Genome position (GRCh38, 1-based): chr3:44,448,402, C>A on the plus strand (G>T on the coding strand, the complement: ZNF445 is on the minus strand). VCF-style: chr3-44448402-C-A. GRCh37 (hg19) VCF-style: chr3-44489894-C-A.
Other names: c.1233G>T, p.Met411Ile (NM_001369454.1); short protein forms M411I, M423I.
Identifiers: ClinVar variation 3234133 (VCV003234133.20), dbSNP rs148169473, ClinGen allele CA2342666.
Genomic context (GRCh38, chr3:44,448,402, plus strand): 5'-GCCCCCAATCATGTGTCTGAGCCCCTTCCCATATTTCTTGTAGTCATAGTGGTGTGAACT[C>A]ATTCTGAAGTGTTTGCCACAGCCATGTTTAAGGGATTCCTTTCTTCCAGAAACTCTCAAA-3'
Protein context (NP_852466.1, residues 413-433): LKHGCGKHFR[Met423Ile]SSHHYDYKKY

ClinVar aggregate classification (germline): Benign (1 of 4 stars; one submission).

Allele frequency attached by ClinVar (database versions not stated): 1000 Genomes Project 30x 0.00078; TOPMed 0.00092; 1000 Genomes Project 0.00100; ESP Exome Variant Server 0.00123; gnomAD exomes 0.00159; ExAC 0.00221; gnomAD 0.00272.
gnomAD v4.1: 2,710 of 1,614,214 alleles (0.17%); highest among the groups gnomAD compares: Non-Finnish European, 0.12%; 20 homozygotes.

Submission:

CeGaT Center for Human Genetics Tuebingen
Classification: Benign. Last evaluated: 2024-04-01. Review status: criteria provided, single submitter. Criteria: CeGaT Center For Human Genetics Tuebingen Variant Classification Criteria Version 2. Collection method: clinical testing. Allele origin: germline. Affected: yes. Observed: 1 variant allele.
Comment: ZNF445: BP4, BS1, BS2